The following is an entry in ClinVar:

NM_000091.5(COL4A3):c.4430A>G (p.Gln1477Arg)

Genes: COL4A3 (collagen type IV alpha 3 chain; plus strand), MFF-DT (MFF divergent transcript; minus strand). Cytogenetic location: 2q36.3.
Variant type: single nucleotide variant.
Coding change: c.4430A>G on transcript NM_000091.5 (MANE Select); coding-DNA position 4430, A replaced by G.
Protein change: p.Gln1477Arg; replaces glutamine 1477 with arginine.
Molecular consequence: missense variant.
Genome position (GRCh38, 1-based): chr2:227,307,887, A>G. VCF-style: chr2-227307887-A-G. GRCh37 (hg19) VCF-style: chr2-228172603-A-G.
Other names: short protein forms Q1477R.
Identifiers: ClinVar variation 3067625 (VCV003067625.22), dbSNP rs1466592212, ClinGen allele CA350864469.
Genomic context (GRCh38, chr2:227,307,887, plus strand): 5'-TTCCTTCATGTCCAGAGGGGACAGTGCCACTCTACAGTGGGTTTTCTTTTCTTTTTGTAC[A>G]AGGAAATCAACGAGCCCACGGACAAGACCTTGGTAATGTCCCAGTCCCAGTTGCCAGTTG-3'
Protein context (NP_000082.2, residues 1467-1487): LYSGFSFLFV[Gln1477Arg]GNQRAHGQDL

ClinVar aggregate classification (germline): Uncertain significance. Review status: criteria provided, single submitter (1 of 4 stars). 2 submissions from 2 submitters: Uncertain significance (1). 1 of the submissions does not count toward it. Last evaluated 2024-03-01.

Conditions:
Alport syndrome. Also called: Hemorrhagic familial nephritis; Hemorrhagic hereditary nephritis; Congenital hereditary hematuria. Identifiers: Orphanet 63, MedGen C1567741, MONDO:0018965.

Allele frequency attached by ClinVar (database versions not stated): gnomAD exomes below 0.00001.
gnomAD v4.1: 3 of 1,614,172 alleles (0.00019%); highest among the groups gnomAD compares: Middle Eastern, 0.017%; no homozygotes.

Submissions (2):

CeGaT Center for Human Genetics Tuebingen
Classification: Uncertain significance. Last evaluated: 2024-03-01. Review status: criteria provided, single submitter. Criteria: CeGaT Center For Human Genetics Tuebingen Variant Classification Criteria Version 2. Collection method: clinical testing. Allele origin: germline. Affected: yes. Observed: 1 variant allele.
Comment: COL4A3: PM2

Natera, Inc.
Classification: Uncertain significance for Alport syndrome. Last evaluated: 2025-01-31. Review status: no assertion criteria provided. Collection method: clinical testing. Allele origin: germline. Not counted in ClinVar's aggregate classification.